The following is an entry in ClinVar:

NM_020937.4(FANCM):c.5258A>G (p.His1753Arg)

Gene: FANCM (FA complementation group M; plus strand). Cytogenetic location: 14q21.2.
Variant type: single nucleotide variant.
Coding change: c.5258A>G on transcript NM_020937.4 (MANE Select); coding-DNA position 5258, A replaced by G.
Protein change: p.His1753Arg; replaces histidine 1753 with arginine.
Molecular consequence: missense variant.
Genome position (GRCh38, 1-based): chr14:45,189,280, A>G. VCF-style: chr14-45189280-A-G. GRCh37 (hg19) VCF-style: chr14-45658483-A-G.
Other names: c.5258A>G (NM_020937.2); c.5180A>G, p.His1727Arg (NM_001308133.2); short protein forms H1727R, H1753R.
Identifiers: ClinVar variation 1435848 (VCV001435848.10), dbSNP rs371891604, ClinGen allele CA7169941.
Genomic context (GRCh38, chr14:45,189,280, plus strand): 5'-AGACATCGCTGAATTTAAAGGATACAATTTCCGAAGTCTCAGACTTCAAACCTCAGAATC[A>G]TAATGAAGTCCAGTCTACCACACCACCCTTCACTACTGTTGATTCACAGAAAGACTGTAG-3'
Protein context (NP_065988.1, residues 1743-1763): SEVSDFKPQN[His1753Arg]NEVQSTTPPF

ClinVar aggregate classification (germline): Uncertain significance. Review status: criteria provided, multiple submitters, no conflicts (2 of 4 stars). 2 submissions from 2 submitters: Uncertain significance (2). Last evaluated 2024-12-15.

Conditions:
Inborn genetic diseases. Identifiers: MedGen C0950123, MeSH D030342.
Fanconi anemia (FA). Also called: Fanconi's anemia. Identifiers: Orphanet 84, MedGen C0015625, MeSH D005199, MONDO:0019391.

Allele frequency attached by ClinVar (database versions not stated): gnomAD exomes below 0.00001; ExAC 0.00001; gnomAD 0.00001; TOPMed 0.00003; ESP Exome Variant Server 0.00008.
gnomAD v4.1: 5 of 1,613,772 alleles (0.00031%); highest among the groups gnomAD compares: African/African-American, 0.0053%; no homozygotes.

Submissions (2):

Ambry Genetics
Classification: Uncertain significance for Inborn genetic diseases. Last evaluated: 2024-12-15. Review status: criteria provided, single submitter. Criteria: Ambry Variant Classification Scheme 2023. Collection method: clinical testing. Allele origin: germline.
Comment: The p.H1753R variant (also known as c.5258A>G), located in coding exon 20 of the FANCM gene, results from an A to G substitution at nucleotide position 5258. The histidine at codon 1753 is replaced by arginine, an amino acid with highly similar properties. This amino acid position is conserved. In addition, this alteration is predicted to be tolerated by in silico analysis. Based on the available evidence, the clinical significance of this variant remains unclear.

Labcorp Genetics (formerly Invitae), Labcorp
Classification: Uncertain significance for Fanconi anemia. Last evaluated: 2021-02-24. Review status: criteria provided, single submitter. Criteria: Invitae Variant Classification Sherloc (09022015). Collection method: clinical testing. Allele origin: germline.
Comment: This variant is present in population databases (rs371891604, ExAC 0.01%). This sequence change replaces histidine with arginine at codon 1753 of the FANCM protein (p.His1753Arg). The histidine residue is weakly conserved and there is a small physicochemical difference between histidine and arginine. This variant has not been reported in the literature in individuals with FANCM-related conditions. Algorithms developed to predict the effect of missense changes on protein structure and function output the following: SIFT: "Tolerated"; PolyPhen-2: "Benign"; Align-GVGD: "Class C0". The arginine amino acid residue is found in multiple mammalian species, suggesting that this missense change does not adversely affect protein function. These predictions have not been confirmed by published functional studies and their clinical significance is uncertain. In summary, the available evidence is currently insufficient to determine the role of this variant in disease. Therefore, it has been classified as a Variant of Uncertain Significance.